The following is an entry in ClinVar:

ClinVar aggregate classification (germline): Likely benign (1 of 4 stars; one submission).

Allele frequency attached by ClinVar (database versions not stated): 1000 Genomes Project 30x 0.00031; 1000 Genomes Project 0.00040; ExAC 0.00046; gnomAD 0.00060; TOPMed 0.00063; ESP Exome Variant Server 0.00064; gnomAD exomes 0.00111.
gnomAD v4.1: 1,756 of 1,613,970 alleles (0.11%); highest among the groups gnomAD compares: Non-Finnish European, 0.13%; 4 homozygotes.

Submission:

CeGaT Center for Human Genetics Tuebingen
Classification: Likely benign. Last evaluated: 2023-01-01. Review status: criteria provided, single submitter. Criteria: CeGaT Center For Human Genetics Tuebingen Variant Classification Criteria Version 2. Collection method: clinical testing. Allele origin: germline. Affected: yes. Observed: 2 variant alleles.
Comment: IRAG1: BP4

NM_130385.4(IRAG1):c.716A>C (p.Glu239Ala)

Gene: IRAG1 (inositol 1,4,5-triphosphate receptor associated 1; minus strand). Cytogenetic location: 11p15.4.
Variant type: single nucleotide variant.
Coding change: c.716A>C on transcript NM_130385.4 (MANE Select); coding-DNA position 716, A replaced by C.
Protein change: p.Glu239Ala; replaces glutamic acid 239 with alanine.
Molecular consequence: missense variant. On other transcripts: 5 prime UTR variant (2).
Genome position (GRCh38, 1-based): chr11:10,627,750, T>G on the plus strand (A>C on the coding strand, the complement: IRAG1 is on the minus strand). VCF-style: chr11-10627750-T-G. GRCh37 (hg19) VCF-style: chr11-10649297-T-G.
Other names: c.692A>C, p.Glu231Ala (NM_001098579.3); c.443A>C, p.Glu148Ala (NM_001100163.3); c.-230A>C (NM_001100167.3, NM_001206881.2); c.716A>C, p.Glu239Ala (NM_001206880.2); c.656A>C, p.Glu219Ala (NM_006069.2); short protein forms E148A, E219A, E231A, E239A.
Identifiers: ClinVar variation 2641597 (VCV002641597.24), dbSNP rs201345963, ClinGen allele CA5884417.
Genomic context (GRCh38, chr11:10,627,750, plus strand): 5'-CCAAAGGGAGCAAAGCTCAAACTCACAGGCTCGCCAGGGTGAGGTGAAGAGACGTCGGCC[T>G]CATCCCCCTTCTGCTGGAGAAGGTGAACAGGAGTCAGTCAGCAATGGGAAGAGACCGTGT-3'
Protein context (NP_569056.4, residues 229-249): LPGAPPQKGD[Glu239Ala]ADVSSPHPGE